The following is an entry in ClinVar:

ClinVar aggregate classification (germline): Conflicting classifications of pathogenicity. Review status: criteria provided, conflicting classifications (1 of 4 stars). 2 submissions from 2 submitters: Uncertain significance (1); Likely benign (1). Last evaluated 2024-01-01.

Conditions:
Inborn genetic diseases. Identifiers: MedGen C0950123, MeSH D030342.

Allele frequency attached by ClinVar (database versions not stated): gnomAD 0.00011; TOPMed 0.00012; gnomAD exomes 0.00018; ESP Exome Variant Server 0.00031; ExAC 0.00032.
gnomAD v4.1: 279 of 1,611,796 alleles (0.017%); highest among the groups gnomAD compares: Non-Finnish European, 0.022%; no homozygotes.

Submissions (2):

CeGaT Center for Human Genetics Tuebingen
Classification: Likely benign. Last evaluated: 2024-01-01. Review status: criteria provided, single submitter. Criteria: CeGaT Center For Human Genetics Tuebingen Variant Classification Criteria Version 2. Collection method: clinical testing. Allele origin: germline. Affected: yes. Observed: 1 variant allele.
Comment: SHANK1: BS2

Ambry Genetics
Classification: Uncertain significance for Inborn genetic diseases. Last evaluated: 2021-07-20. Review status: criteria provided, single submitter. Criteria: Ambry Variant Classification Scheme 2023. Collection method: clinical testing. Allele origin: germline.

NM_016148.5(SHANK1):c.6167C>T (p.Pro2056Leu)

Gene: SHANK1 (SH3 and multiple ankyrin repeat domains 1; minus strand). Cytogenetic location: 19q13.33.
Variant type: single nucleotide variant.
Coding change: c.6167C>T on transcript NM_016148.5 (MANE Select); coding-DNA position 6167, C replaced by T.
Protein change: p.Pro2056Leu; replaces proline 2056 with leucine.
Molecular consequence: missense variant.
Genome position (GRCh38, 1-based): chr19:50,662,284, G>A on the plus strand (C>T on the coding strand, the complement: SHANK1 is on the minus strand). VCF-style: chr19-50662284-G-A. GRCh37 (hg19) VCF-style: chr19-51165541-G-A.
Other names: short protein forms P2056L.
Identifiers: ClinVar variation 2391831 (VCV002391831.24), dbSNP rs200883351, ClinGen allele CA9600848.